The following is an entry in ClinVar:

ClinVar aggregate classification (germline): Conflicting classifications of pathogenicity. Review status: criteria provided, conflicting classifications (1 of 4 stars). 5 submissions from 5 submitters: Uncertain significance (1); Likely benign (3). 1 of the submissions does not count toward it. Last evaluated 2025-01-11.

Conditions:
MITF-related disorder. Also called: MITF-related condition.
Waardenburg syndrome type 2A (WS2A). Also called: WAARDENBURG SYNDROME WITHOUT DYSTOPIA CANTHORUM. Identifiers: Orphanet 3440, MedGen C1860339, MONDO:0008671, OMIM 193510.
Melanoma, cutaneous malignant, susceptibility to, 8. Also called: MELANOMA AND RENAL CELL CARCINOMA, SUSCEPTIBILITY TO; Cutaneous malignant melanoma 8. Identifiers: Orphanet 293822, MedGen C3152204, MONDO:0013759, OMIM 614456.
Tietz syndrome (TADS). Also called: HYPOPIGMENTATION/DEAFNESS OF TIETZ; TIETZ ALBINISM-DEAFNESS SYNDROME; ALBINISM-DEAFNESS OF TIETZ. Identifiers: Orphanet 42665, MedGen C0391816, MONDO:0007077, OMIM 103500.

Allele frequency attached by ClinVar (database versions not stated): gnomAD 0.00001; gnomAD exomes 0.00001 and 0.00002; ExAC 0.00002; TOPMed 0.00009.
gnomAD v4.1: 25 of 1,613,704 alleles (0.0015%); highest among the groups gnomAD compares: Middle Eastern, 0.18%; no homozygotes.

Submissions (5):

Labcorp Genetics (formerly Invitae), Labcorp
Classification: Uncertain significance for Melanoma, cutaneous malignant, susceptibility to, 8; Waardenburg syndrome type 2A; Tietz syndrome. Last evaluated: 2025-01-11. Review status: criteria provided, single submitter. Criteria: Invitae Variant Classification Sherloc (09022015). Collection method: clinical testing. Allele origin: germline.
Comment: This sequence change falls in intron 8 of the MITF gene. It does not directly change the encoded amino acid sequence of the MITF protein. It affects a nucleotide within the consensus splice site. This variant is present in population databases (rs766118369, gnomAD 0.007%). This variant has not been reported in the literature in individuals affected with MITF-related conditions. ClinVar contains an entry for this variant (Variation ID: 1300483). Variants that disrupt the consensus splice site are a relatively common cause of aberrant splicing (PMID: 17576681, 9536098). Algorithms developed to predict the effect of sequence changes on RNA splicing suggest that this variant is not likely to affect RNA splicing. In summary, the available evidence is currently insufficient to determine the role of this variant in disease. Therefore, it has been classified as a Variant of Uncertain Significance.

Blueprint Genetics
Classification: Likely benign. Last evaluated: 2024-07-08. Review status: criteria provided, single submitter. Criteria: ACMG Guidelines, 2015. Collection method: clinical testing. Allele origin: germline.

GeneDx
Classification: Likely benign. Last evaluated: 2021-03-26. Review status: criteria provided, single submitter. Criteria: GeneDx Variant Classification Process June 2021. Collection method: clinical testing. Allele origin: germline. Affected: yes.

Breakthrough Genomics
Classification: Likely benign. Review status: criteria provided, single submitter. Criteria: ACMG Guidelines, 2015. Collection method: not provided. Allele origin: germline. Inheritance: Autosomal recessive inheritance. Affected: yes.

PreventionGenetics, part of Exact Sciences
Classification: Likely benign for MITF-related condition. Last evaluated: 2019-03-20. Review status: no assertion criteria provided. Collection method: clinical testing. Allele origin: germline. Not counted in ClinVar's aggregate classification.
Comment: This variant is classified as likely benign based on ACMG/AMP sequence variant interpretation guidelines (Richards et al. 2015 PMID: 25741868, with internal and published modifications).

Literature cited by the submitters: PubMed 17576681 (cited by Labcorp Genetics (formerly Invitae), Labcorp); PubMed 9536098 (cited by Labcorp Genetics (formerly Invitae), Labcorp).

NM_001354604.2(MITF):c.1179+6C>T

Gene: MITF (melanocyte inducing transcription factor; plus strand). Cytogenetic location: 3p13.
Variant type: single nucleotide variant.
Coding change: c.1179+6C>T on transcript NM_001354604.2 (MANE Select); 6 bases into the intron after coding-DNA position 1179, C replaced by T.
Molecular consequence: intron variant.
Genome position (GRCh38, 1-based): chr3:69,959,426, C>T. VCF-style: chr3-69959426-C-T. GRCh37 (hg19) VCF-style: chr3-70008577-C-T.
Other names: c.858+6C>T (NM_000248.3, NM_000248.4); c.1110+6C>T (NM_001354607.2); c.1005+6C>T (NM_001354608.2, NM_001184967.2); c.1161+6C>T (NM_198159.3); c.1176+6C>T (NM_001354605.2); c.1158+6C>T (NM_001354606.2, NM_006722.3); c.1113+6C>T (NM_198177.3); c.840+6C>T (NM_198158.3); and 1 more.
Identifiers: ClinVar variation 1300483 (VCV001300483.8), dbSNP rs766118369, ClinGen allele CA2490592.